The following is an entry in ClinVar:

ClinVar aggregate classification (germline): Uncertain significance. Review status: criteria provided, multiple submitters, no conflicts (2 of 4 stars). 3 submissions from 3 submitters: Uncertain significance (3). Last evaluated 2025-03-13.

Conditions:
Wolfram-like syndrome. Also called: HEARING LOSS, PROGRESSIVE, WITH OPTIC ATROPHY AND/OR IMPAIRED GLUCOSE REGULATION. Identifiers: Orphanet 411590, MedGen C3280358, MONDO:0013673, OMIM 614296.
Wolfram syndrome 1 (WFS1). Identifiers: Orphanet 3463, MedGen C4551693, MONDO:0009101, OMIM 222300.
Cataract 41 (CTRCT41). Also called: CATARACT 41, CONGENITAL NUCLEAR TYPE. Identifiers: Orphanet 91492, Orphanet 98991, Orphanet 98992, Orphanet 98995, MedGen C3805412, MONDO:0007287, OMIM 116400.
Autosomal dominant nonsyndromic hearing loss 6 (LFSNHL). Also called: Autosomal dominant nonsyndromic deafness 6; DEAFNESS, AUTOSOMAL DOMINANT 6; DEAFNESS, AUTOSOMAL DOMINANT 14; DEAFNESS, AUTOSOMAL DOMINANT 38. Identifiers: Orphanet 90635, MedGen C1833021, MONDO:0010963, OMIM 600965.
Type 2 diabetes mellitus. Also called: Type II diabetes mellitus. Identifiers: MedGen C0011860, MeSH D003924, MONDO:0005148, OMIM 125853, HP:0005978.
WFS1-related disorder. Identifiers: MedGen CN379391, MONDO:0700293.

Allele frequency attached by ClinVar (database versions not stated): gnomAD exomes below 0.00001 and 0.00002; gnomAD 0.00002 and 0.00003; TOPMed 0.00002.
gnomAD v4.1: 25 of 1,612,584 alleles (0.0016%); highest among the groups gnomAD compares: African/African-American, 0.0053%; no homozygotes.

Submissions (3):

PreventionGenetics, part of Exact Sciences
Classification: Uncertain significance for WFS1-related condition. Last evaluated: 2025-03-13. Review status: criteria provided, single submitter. Criteria: ACMG Guidelines, 2015. Collection method: clinical testing. Allele origin: germline.
Comment: The WFS1 c.2377C>T variant is predicted to result in the amino acid substitution p.Arg793Cys. To our knowledge, this variant has not been reported in the literature. This variant is reported in 0.0042% of alleles in individuals of African descent in gnomAD. At this time, the clinical significance of this variant is uncertain due to the absence of conclusive functional and genetic evidence.

Labcorp Genetics (formerly Invitae), Labcorp
Classification: Uncertain significance. Last evaluated: 2024-10-21. Review status: criteria provided, single submitter. Criteria: Invitae Variant Classification Sherloc (09022015). Collection method: clinical testing. Allele origin: germline.
Comment: This sequence change replaces arginine, which is basic and polar, with cysteine, which is neutral and slightly polar, at codon 793 of the WFS1 protein (p.Arg793Cys). This variant is present in population databases (rs71526462, gnomAD 0.004%). This variant has not been reported in the literature in individuals affected with WFS1-related conditions. ClinVar contains an entry for this variant (Variation ID: 1525437). Invitae Evidence Modeling of protein sequence and biophysical properties (such as structural, functional, and spatial information, amino acid conservation, physicochemical variation, residue mobility, and thermodynamic stability) indicates that this missense variant is not expected to disrupt WFS1 protein function with a negative predictive value of 95%. In summary, the available evidence is currently insufficient to determine the role of this variant in disease. Therefore, it has been classified as a Variant of Uncertain Significance.

Fulgent Genetics
Classification: Uncertain significance for Cataract 41; Type 2 diabetes mellitus; Wolfram syndrome 1; Autosomal dominant nonsyndromic hearing loss 6; Wolfram-like syndrome. Last evaluated: 2024-01-04. Review status: criteria provided, single submitter. Criteria: ACMG Guidelines, 2015. Collection method: clinical testing. Allele origin: germline.

NM_006005.3(WFS1):c.2377C>T (p.Arg793Cys)

Gene: WFS1 (wolframin ER transmembrane glycoprotein; plus strand). Cytogenetic location: 4p16.1.
Variant type: single nucleotide variant.
Coding change: c.2377C>T on transcript NM_006005.3 (MANE Select); coding-DNA position 2377, C replaced by T.
Protein change: p.Arg793Cys; replaces arginine 793 with cysteine.
Molecular consequence: missense variant.
Genome position (GRCh38, 1-based): chr4:6,302,172, C>T. VCF-style: chr4-6302172-C-T. GRCh37 (hg19) VCF-style: chr4-6303899-C-T.
Other names: c.2377C>T, p.Arg793Cys (NM_001145853.1); short protein forms R793C.
Identifiers: ClinVar variation 1525437 (VCV001525437.7), dbSNP rs71526462, ClinGen allele CA91797127.